The following is an entry in ClinVar:

NM_001024630.4(RUNX2):c.392G>A (p.Arg131His)

Gene: RUNX2 (RUNX family transcription factor 2; plus strand). Cytogenetic location: 6p21.1.
Variant type: single nucleotide variant.
Coding change: c.392G>A on transcript NM_001024630.4 (MANE Select); coding-DNA position 392, G replaced by A.
Protein change: p.Arg131His; replaces arginine 131 with histidine.
Molecular consequence: missense variant.
Genome position (GRCh38, 1-based): chr6:45,422,926, G>A. VCF-style: chr6-45422926-G-A. GRCh37 (hg19) VCF-style: chr6-45390663-G-A.
Other names: c.392G>A, p.Arg131His (NM_001015051.4); c.350G>A, p.Arg117His (NM_001278478.2, NM_001369405.1); short protein forms R131H, R117H.
Identifiers: ClinVar variation 3685092 (VCV003685092.2).

ClinVar aggregate classification (germline): Pathogenic (1 of 4 stars; one submission).

Submission:

Labcorp Genetics (formerly Invitae), Labcorp
Classification: Pathogenic. Last evaluated: 2025-01-21. Review status: criteria provided, single submitter. Criteria: Invitae Variant Classification Sherloc (09022015). Collection method: clinical testing. Allele origin: germline.
Comment: This sequence change replaces arginine, which is basic and polar, with histidine, which is basic and polar, at codon 131 of the RUNX2 protein (p.Arg131His). This variant is not present in population databases (gnomAD no frequency). This missense change has been observed in individual(s) with clinical features of cleidocranial dysplasia (internal data). In at least one individual the variant was observed to be de novo. Invitae Evidence Modeling of protein sequence and biophysical properties (such as structural, functional, and spatial information, amino acid conservation, physicochemical variation, residue mobility, and thermodynamic stability) indicates that this missense variant is expected to disrupt RUNX2 protein function with a positive predictive value of 80%. This variant disrupts the p.Arg131 amino acid residue in RUNX2. Other variant(s) that disrupt this residue have been determined to be pathogenic (PMID: 16270353, 20225274). This suggests that this residue is clinically significant, and that variants that disrupt this residue are likely to be disease-causing. For these reasons, this variant has been classified as Pathogenic.

Literature cited by the submitters: PubMed 16270353; PubMed 20225274.